The following is an entry in ClinVar:

NM_006660.5(CLPX):c.769A>G (p.Met257Val)

Gene: CLPX (caseinolytic mitochondrial matrix peptidase chaperone subunit X; minus strand). Cytogenetic location: 15q22.31.
Variant type: single nucleotide variant.
Coding change: c.769A>G on transcript NM_006660.5 (MANE Select); coding-DNA position 769, A replaced by G.
Protein change: p.Met257Val; replaces methionine 257 with valine.
Molecular consequence: missense variant. On other transcripts: non-coding transcript variant (1).
Genome position (GRCh38, 1-based): chr15:65,158,698, T>C on the plus strand (A>G on the coding strand, the complement: CLPX is on the minus strand). VCF-style: chr15-65158698-T-C. GRCh37 (hg19) VCF-style: chr15-65451036-T-C.
Other names: short protein forms M257V.
Identifiers: ClinVar variation 3610962 (VCV003610962.2).

ClinVar aggregate classification (germline): Uncertain significance (1 of 4 stars; one submission).

Submission:

Labcorp Genetics (formerly Invitae), Labcorp
Classification: Uncertain significance. Last evaluated: 2024-08-31. Review status: criteria provided, single submitter. Criteria: Invitae Variant Classification Sherloc (09022015). Collection method: clinical testing. Allele origin: germline.
Comment: This sequence change replaces methionine, which is neutral and non-polar, with valine, which is neutral and non-polar, at codon 257 of the CLPX protein (p.Met257Val). The frequency data for this variant in the population databases is considered unreliable, as metrics indicate poor data quality at this position in the gnomAD database. This variant has not been reported in the literature in individuals affected with CLPX-related conditions. Invitae Evidence Modeling of protein sequence and biophysical properties (such as structural, functional, and spatial information, amino acid conservation, physicochemical variation, residue mobility, and thermodynamic stability) indicates that this missense variant is not expected to disrupt CLPX protein function with a negative predictive value of 80%. In summary, the available evidence is currently insufficient to determine the role of this variant in disease. Therefore, it has been classified as a Variant of Uncertain Significance.